The following is an entry in ClinVar:

ClinVar aggregate classification (germline): Pathogenic/Likely pathogenic. Review status: criteria provided, multiple submitters, no conflicts (2 of 4 stars). 5 submissions from 5 submitters: Pathogenic (4); Likely pathogenic (1). Last evaluated 2024-09-16.

Conditions:
Niemann-Pick disease, type B. Also called: Chronic Visceral ASMD (Niemann-Pick Disease Type B; NPD-B). Identifiers: Orphanet 77293, MedGen C0268243, MONDO:0011871, OMIM 607616. Disease mechanism: loss of function.
Niemann-Pick disease, type A. Also called: SPHINGOMYELIN LIPIDOSIS; SPHINGOMYELINASE DEFICIENCY; Infantile Neurovisceral ASMD (Niemann-Pick Disease Type A; NPD-A). Identifiers: Orphanet 77292, MedGen C0268242, MONDO:0009756, OMIM 257200. Disease mechanism: loss of function.
Sphingomyelin/cholesterol lipidosis. Also called: Niemann-Pick disease. Identifiers: MedGen C0028064, MONDO:0001982.

Allele frequency attached by ClinVar (database versions not stated): TOPMed below 0.00001; gnomAD 0.00001; gnomAD exomes 0.00002.
gnomAD v4.1: 11 of 1,613,268 alleles (0.00068%); highest among the groups gnomAD compares: Non-Finnish European, 0.00093%; no homozygotes.

Submissions (5):

Natera, Inc.
Classification: Pathogenic for Niemann-Pick Disease, Types A/B. Last evaluated: 2024-09-16. Review status: criteria provided, single submitter. Criteria: Natera Variant Classification Schema (03/2026). Collection method: clinical testing. Allele origin: germline.
Comment: The c.502G>A variant in SMPD1 is a missense variant predicted to cause substitution of glycine to arginine at amino acid 168. This variant is rare in the general population with a frequency below the threshold expected for the associated phenotype(s). This variant has been observed in one or more individuals affected with the associated recessive disease, as either homozygous or compound heterozygous with a second variant (PMID: 15877209, 30795770). Given the available evidence, this variant is classified as Pathogenic.

Baylor Genetics
Classification: Pathogenic for Niemann-Pick disease, type A. Last evaluated: 2024-03-03. Review status: criteria provided, single submitter. Criteria: ACMG Guidelines, 2015. Collection method: clinical testing. Allele origin: unknown.

Women's Health and Genetics/Laboratory Corporation of America, LabCorp
Classification: Pathogenic for Sphingomyelin/cholesterol lipidosis. Last evaluated: 2023-09-22. Review status: criteria provided, single submitter. Criteria: LabCorp Variant Classification Summary - May 2015. Collection method: clinical testing. Allele origin: germline.
Comment: Variant summary: SMPD1 c.502G>A (p.Gly168Arg) results in a non-conservative amino acid change located in the Saposin B type domain (IPR008139) of the encoded protein sequence. Four of four in-silico tools predict a damaging effect of the variant on protein function. The variant was absent in 248964 control chromosomes (gnomAD). c.502G>A has been reported in the literature in multiple individuals affected with Niemann-Pick Disease (Pavlu_2005, Mussig_2006, Lipinski_2019), and some were reported as compound heterozygous with other variants that have been classified as pathogenic/likely pathogenic. These data indicate that the variant is very likely to be associated with disease. To our knowledge, no experimental evidence demonstrating an impact on protein function has been reported. The following publications have been ascertained in the context of this evaluation (PMID: 15877209, 16472269, 30795770). Two submitters have cited clinical-significance assessments for this variant to ClinVar after 2014. Both submitters classified the variant as pathogenic/likely pathogenic. Based on the evidence outlined above, the variant was classified as pathogenic.

Labcorp Genetics (formerly Invitae), Labcorp
Classification: Pathogenic for Niemann-Pick disease, type B; Niemann-Pick disease, type A. Last evaluated: 2021-08-27. Review status: criteria provided, single submitter. Criteria: Invitae Variant Classification Sherloc (09022015). Collection method: clinical testing. Allele origin: germline.
Comment: This missense change has been observed in individual(s) with acid sphingomyelinase deficiency (PMID: 15877209, 16472269, 30795770). This variant is not present in population databases (ExAC no frequency). This sequence change replaces glycine with arginine at codon 168 of the SMPD1 protein (p.Gly168Arg). The glycine residue is moderately conserved and there is a moderate physicochemical difference between glycine and arginine. This variant is also known as p.G166R. For these reasons, this variant has been classified as Pathogenic. Algorithms developed to predict the effect of sequence changes on RNA splicing suggest that this variant may create or strengthen a splice site. Algorithms developed to predict the effect of missense changes on protein structure and function are either unavailable or do not agree on the potential impact of this missense change (SIFT: "Deleterious"; PolyPhen-2: "Probably Damaging"; Align-GVGD: "Class C0").

Institute of Human Genetics, University of Leipzig Medical Center
Classification: Likely pathogenic for Niemann-Pick disease, type A. Last evaluated: 2019-01-01. Review status: criteria provided, single submitter. Criteria: ACMG Guidelines, 2015. Collection method: clinical testing. Allele origin: unknown. Affected: yes.

Literature cited by the submitters: PubMed 15877209 (cited by 3 submitters); PubMed 30795770 (cited by 3 submitters); PubMed 16472269 (cited by Women's Health and Genetics/Laboratory Corporation of America, LabCorp and Labcorp Genetics (formerly Invitae), Labcorp).

NM_000543.5(SMPD1):c.502G>A (p.Gly168Arg)

Gene: SMPD1 (sphingomyelin phosphodiesterase 1; plus strand). Cytogenetic location: 11p15.4.
Variant type: single nucleotide variant.
Coding change: c.502G>A on transcript NM_000543.5 (MANE Select); coding-DNA position 502, G replaced by A.
Protein change: p.Gly168Arg; replaces glycine 168 with arginine.
Molecular consequence: missense variant. On other transcripts: 5 prime UTR variant (1), non-coding transcript variant (1).
Genome position (GRCh38, 1-based): chr11:6,391,567, G>A. VCF-style: chr11-6391567-G-A. GRCh37 (hg19) VCF-style: chr11-6412797-G-A.
Other names: c.499G>A, p.Gly167Arg (NM_001007593.3); c.502G>A, p.Gly168Arg (NM_001318087.2, NM_001365135.2); c.-460G>A (NM_001318088.2); short protein forms G167R, G168R.
Identifiers: ClinVar variation 982662 (VCV000982662.12), dbSNP rs1847910654, ClinGen allele CA379369663.
Genomic context (GRCh38, chr11:6,391,567, plus strand): 5'-TGGAGACGCTCAGTGCTGAGCCCATCTGAGGCCTGTGGCCTGCTCCTGGGCTCCACCTGT[G>A]GGCACTGGGACATTTTCTCATCTTGGAACATCTCTTTGCCTACTGTGCCGAAGCCGCCCC-3'
Protein context (NP_000534.3, residues 158-178): ACGLLLGSTC[Gly168Arg]HWDIFSSWNI